The following is an entry in ClinVar:

NM_001039141.3(TRIOBP):c.5519G>A (p.Arg1840His)

Genes: TRIOBP (TRIO and F-actin binding protein; plus strand), LOC126863145 (CDK7 strongly-dependent group 2 enhancer GRCh37_chr22:38150829-38152028; plus strand). Cytogenetic location: 22q13.1.
Variant type: single nucleotide variant.
Coding change: c.5519G>A on transcript NM_001039141.3 (MANE Select); coding-DNA position 5519, G replaced by A.
Protein change: p.Arg1840His; replaces arginine 1840 with histidine.
Molecular consequence: missense variant.
Genome position (GRCh38, 1-based): chr22:37,755,132, G>A. VCF-style: chr22-37755132-G-A. GRCh37 (hg19) VCF-style: chr22-38151139-G-A.
Other names: c.380G>A, p.Arg127His (NM_007032.5, NM_138632.2); short protein forms R1840H, R127H.
Identifiers: ClinVar variation 229359 (VCV000229359.8), dbSNP rs376340052, ClinGen allele CA10224728.

ClinVar aggregate classification (germline): Uncertain significance. Review status: criteria provided, multiple submitters, no conflicts (2 of 4 stars). 3 submissions from 3 submitters: Uncertain significance (3). Last evaluated 2024-07-30.

Allele frequency attached by ClinVar (database versions not stated): gnomAD 0.00004; TOPMed 0.00004; ESP Exome Variant Server 0.00008.
gnomAD v4.1: 31 of 1,613,696 alleles (0.0019%); highest among the groups gnomAD compares: Non-Finnish European, 0.0024%; no homozygotes.

Submissions (3):

Blueprint Genetics
Classification: Uncertain significance. Last evaluated: 2024-07-30. Review status: criteria provided, single submitter. Criteria: ACMG Guidelines, 2015. Collection method: clinical testing. Allele origin: germline.

GeneDx
Classification: Uncertain significance. Last evaluated: 2022-03-15. Review status: criteria provided, single submitter. Criteria: GeneDx Variant Classification Process June 2021. Collection method: clinical testing. Allele origin: germline. Affected: yes.
Comment: Reported in a patient with hearing loss in published literature (Miyagawa et al., 2013); Not observed at significant frequency in large population cohorts (gnomAD); In silico analysis supports that this missense variant has a deleterious effect on protein structure/function; This variant is associated with the following publications: (PMID: 23967202)

Laboratory for Molecular Medicine, Mass General Brigham Personalized Medicine
Classification: Uncertain significance. Last evaluated: 2015-02-02. Review status: criteria provided, single submitter. Criteria: LMM Criteria. Collection method: clinical testing. Allele origin: germline. Observed: 1 variant allele.
Comment: This variant has been identi fied in 2/63254 European chromosomes and 1/8282 East Asian chromosomes by the Ex ome Aggregation Consortium (ExAC; dbSNP rs376340 052). Although this variant has been seen in the general population, its frequ ency is not high enough to rule out a pathogenic role. Arginine (Arg) at positio n 1840 is conserved in mammals but not in evolutionarily distant species with 1 fish species having a histidine (His) at this position. Additional computational prediction tools do not provide strong support for or against an impact to the protein. In summary, the clinical significance of the p.Arg1840His variant is un certain.

Literature cited by the submitters: PubMed 23967202 (cited by Laboratory for Molecular Medicine, Mass General Brigham Personalized Medicine).